The following is an entry in ClinVar:

ClinVar aggregate classification (germline): Uncertain significance (1 of 4 stars; one submission).

gnomAD v4.1: 84 of 1,614,080 alleles (0.0052%); highest among the groups gnomAD compares: Non-Finnish European, 0.0068%; no homozygotes.

Submission:

Labcorp Genetics (formerly Invitae), Labcorp
Classification: Uncertain significance. Last evaluated: 2024-11-15. Review status: criteria provided, single submitter. Criteria: Invitae Variant Classification Sherloc (09022015). Collection method: clinical testing. Allele origin: germline.
Comment: This sequence change replaces arginine, which is basic and polar, with glutamine, which is neutral and polar, at codon 1059 of the ADAMTS17 protein (p.Arg1059Gln). This variant is present in population databases (rs745497667, gnomAD 0.009%). This variant has not been reported in the literature in individuals affected with ADAMTS17-related conditions. An algorithm developed to predict the effect of missense changes on protein structure and function (PolyPhen-2) suggests that this variant is likely to be disruptive. In summary, the available evidence is currently insufficient to determine the role of this variant in disease. Therefore, it has been classified as a Variant of Uncertain Significance.

NM_139057.4(ADAMTS17):c.3176G>A (p.Arg1059Gln)

Gene: ADAMTS17 (ADAM metallopeptidase with thrombospondin type 1 motif 17; minus strand). Cytogenetic location: 15q26.3.
Variant type: single nucleotide variant.
Coding change: c.3176G>A on transcript NM_139057.4 (MANE Select); coding-DNA position 3176, G replaced by A.
Protein change: p.Arg1059Gln; replaces arginine 1059 with glutamine.
Molecular consequence: missense variant.
Genome position (GRCh38, 1-based): chr15:99,974,514, C>T on the plus strand (G>A on the coding strand, the complement: ADAMTS17 is on the minus strand). VCF-style: chr15-99974514-C-T. GRCh37 (hg19) VCF-style: chr15-100514719-C-T.
Other names: short protein forms R1059Q.
Identifiers: ClinVar variation 3709696 (VCV003709696.1).